The following is an entry in ClinVar:

NM_001953.5(TYMP):c.1142T>G (p.Leu381Arg)

Genes: SCO2 (synthesis of cytochrome C oxidase 2; minus strand), TYMP (thymidine phosphorylase; minus strand), LOC130067862 (ATAC-STARR-seq lymphoblastoid silent region 13986; plus strand). Cytogenetic location: 22q13.33.
Variant type: single nucleotide variant.
Coding change: c.1142T>G on transcript NM_001953.5 (MANE Select); coding-DNA position 1142, T replaced by G.
Protein change: p.Leu381Arg; replaces leucine 381 with arginine.
Molecular consequence: missense variant. On other transcripts: 5 prime UTR variant (1).
Genome position (GRCh38, 1-based): chr22:50,526,263, A>C on the plus strand (T>G on the coding strand, the complement: TYMP is on the minus strand). VCF-style: chr22-50526263-A-C. GRCh37 (hg19) VCF-style: chr22-50964692-A-C.
Other names: c.1142T>G, p.Leu381Arg (NM_001113755.3, NM_001113756.3, NM_001257988.1 and 1 more transcripts); c.-31T>G (NM_001169109.2); short protein forms L381R.
Identifiers: ClinVar variation 1305829 (VCV001305829.4), dbSNP rs2069369073, ClinGen allele CA412197332.

ClinVar aggregate classification (germline): Uncertain significance (1 of 4 stars; one submission).

Allele frequency attached by ClinVar (database versions not stated): TOPMed 0.00001; gnomAD 0.00001.
gnomAD v4.1: 15 of 1,538,370 alleles (0.00098%); highest among the groups gnomAD compares: African/African-American, 0.0028%; no homozygotes.

Submission:

GeneDx
Classification: Uncertain significance. Last evaluated: 2019-05-10. Review status: criteria provided, single submitter. Criteria: GeneDx Variant Classification Process June 2021. Collection method: clinical testing. Allele origin: germline. Affected: yes.
Comment: Reported in a patient with suspected Mitochondrial neurogastrointestinal encephalopathy (MNGIE); zygosity and thymidine phosphorylase activity levels were not provided (Hritani et al., 2014); This variant is associated with the following publications: (PMID: 25580313)